The following is an entry in ClinVar:

ClinVar aggregate classification (germline): Pathogenic (1 of 4 stars; one submission).

Conditions:
Chuvash polycythemia. Also called: POLYCYTHEMIA, VHL-DEPENDENT. Identifiers: Orphanet 238557, MedGen C1837915, MONDO:0009892, OMIM 263400.
Von Hippel-Lindau syndrome (VHLS). Also called: VHL syndrome; von Hippel–Lindau syndrome; Von Hippel-Lindau. Identifiers: Orphanet 892, MedGen C0019562, MONDO:0008667, OMIM 193300. Disease mechanism: loss of function.

Submission:

Labcorp Genetics (formerly Invitae), Labcorp
Classification: Pathogenic for Von Hippel-Lindau syndrome; Chuvash polycythemia. Last evaluated: 2021-02-13. Review status: criteria provided, single submitter. Criteria: Invitae Variant Classification Sherloc (09022015). Collection method: clinical testing. Allele origin: germline.
Comment: For these reasons, this variant has been classified as Pathogenic. This variant disrupts the p.Trp117 amino acid residue in VHL. Other variant(s) that disrupt this residue have been observed in individuals with VHL-related conditions (PMID: 30477447, 28388566, 18685280, 24581539), which suggests that this may be a clinically significant amino acid residue. Algorithms developed to predict the effect of missense changes on protein structure and function (SIFT, PolyPhen-2, Align-GVGD) all suggest that this variant is likely to be disruptive, but these predictions have not been confirmed by published functional studies and their clinical significance is uncertain. This variant has been observed to segregate with Von Hippel-Lindau disease in a family (PMID: 24581539). ClinVar contains an entry for this variant (Variation ID: 862346). This variant is not present in population databases (ExAC no frequency). This sequence change replaces tryptophan with glycine at codon 117 of the VHL protein (p.Trp117Gly). The tryptophan residue is highly conserved and there is a large physicochemical difference between tryptophan and glycine.

Literature cited by the submitters: PubMed 30477447; PubMed 28388566; PubMed 18685280; PubMed 24581539.

NM_000551.4(VHL):c.349T>G (p.Trp117Gly)

Genes: VHL (von Hippel-Lindau tumor suppressor; plus strand), LOC107303340 (3p25 von Hippel-Lindau tumor suppressor, E3 ubiquitin protein ligase Alu-mediated recombination region; plus strand). Cytogenetic location: 3p25.3.
Variant type: single nucleotide variant.
Coding change: c.349T>G on transcript NM_000551.4 (MANE Select); coding-DNA position 349, T replaced by G.
Protein change: p.Trp117Gly; replaces tryptophan 117 with glycine.
Molecular consequence: missense variant. On other transcripts: intron variant (2).
Genome position (GRCh38, 1-based): chr3:10,146,522, T>G. VCF-style: chr3-10146522-T-G. GRCh37 (hg19) VCF-style: chr3-10188206-T-G.
Other names: c.*18-3265T>G (NM_001354723.2); c.341-3265T>G (NM_198156.3); short protein forms W117G.
Identifiers: ClinVar variation 862346 (VCV000862346.10), dbSNP rs1696261074, ClinGen allele CA351753662.